The following is an entry in ClinVar:

ClinVar aggregate classification (germline): Likely pathogenic (1 of 4 stars; one submission).

Conditions:
Familial adenomatous polyposis 2. Also called: MUTYH-associated polyposis; MUTYH-related attenuated familial adenomatous polyposis; COLORECTAL ADENOMATOUS POLYPOSIS, AUTOSOMAL RECESSIVE; ADENOMAS, MULTIPLE COLORECTAL, AUTOSOMAL RECESSIVE; MYH-associated polyposis; MUTYH Polyposis. Identifiers: Orphanet 220460, Orphanet 247798, MedGen C3272841, MONDO:0012041, OMIM 608456.

Submission:

Labcorp Genetics (formerly Invitae), Labcorp
Classification: Likely pathogenic for Familial adenomatous polyposis 2. Last evaluated: 2024-09-19. Review status: criteria provided, single submitter. Criteria: Invitae Variant Classification Sherloc (09022015). Collection method: clinical testing. Allele origin: germline.
Comment: This sequence change creates a premature translational stop signal (p.Gly507Valfs*21) in the MUTYH gene. While this is not anticipated to result in nonsense mediated decay, it is expected to disrupt the last 43 amino acid(s) of the MUTYH protein. This variant is not present in population databases (gnomAD no frequency). This variant has not been reported in the literature in individuals affected with MUTYH-related conditions. This variant disrupts the conserved PCNA binding motif of the MUTYH protein, which has been shown to be critical for MUTYH-PCNA binding and repair efficiency (PMID: 11092888, 26377631, 11433026, 11864576). While functional studies have not been performed to directly test the effect of this variant on MUTYH protein function, this suggests that disruption of this region of the protein is causative of disease. In summary, the currently available evidence indicates that the variant is pathogenic, but additional data are needed to prove that conclusively. Therefore, this variant has been classified as Likely Pathogenic.

Literature cited by the submitters: PubMed 11092888; PubMed 26377631; PubMed 11433026; PubMed 11864576.

NC_000001.11:g.45329429_45329439del

Gene: MUTYH (mutY DNA glycosylase; minus strand). Cytogenetic location: 1p34.1.
Variant type: Deletion.
Genome position: GRCh38 VCF-style: chr1-45329425-ACCTTTTGGAAC-A. GRCh37 (hg19) VCF-style: chr1-45795097-ACCTTTTGGAAC-A.
Identifiers: ClinVar variation 3730030 (VCV003730030.2).